The following is an entry in ClinVar:

ClinVar aggregate classification (germline): Uncertain significance. Review status: criteria provided, multiple submitters, no conflicts (2 of 4 stars). 3 submissions from 3 submitters: Uncertain significance (3). Last evaluated 2023-04-11.

Conditions:
Immunodeficiency, common variable, 7. Identifiers: Orphanet 1572, Orphanet 696894, MedGen C3542922, MONDO:0013862, OMIM 614699.

Allele frequency attached by ClinVar (database versions not stated): gnomAD exomes below 0.00001; TOPMed below 0.00001.
gnomAD v4.1: 2 of 1,614,108 alleles (0.00012%); highest among the groups gnomAD compares: Middle Eastern, 0.017%; no homozygotes.

Submissions (3):

Genome-Nilou Lab
Classification: Uncertain significance for Immunodeficiency, common variable, 7. Last evaluated: 2023-04-11. Review status: criteria provided, single submitter. Criteria: ACMG Guidelines, 2015. Collection method: clinical testing. Allele origin: germline. Affected: no.

Labcorp Genetics (formerly Invitae), Labcorp
Classification: Uncertain significance for Immunodeficiency, common variable, 7. Last evaluated: 2022-11-01. Review status: criteria provided, single submitter. Criteria: Invitae Variant Classification Sherloc (09022015). Collection method: clinical testing. Allele origin: germline.
Comment: This variant has not been reported in the literature in individuals affected with CR2-related conditions. ClinVar contains an entry for this variant (Variation ID: 999079). Algorithms developed to predict the effect of missense changes on protein structure and function are either unavailable or do not agree on the potential impact of this missense change (SIFT: "Tolerated"; PolyPhen-2: "Probably Damaging"; Align-GVGD: "Class C15"). In summary, the available evidence is currently insufficient to determine the role of this variant in disease. Therefore, it has been classified as a Variant of Uncertain Significance. This variant is not present in population databases (gnomAD no frequency). This sequence change replaces tyrosine, which is neutral and polar, with cysteine, which is neutral and slightly polar, at codon 992 of the CR2 protein (p.Tyr992Cys).

New York Genome Center
Classification: Uncertain significance for Immunodeficiency, common variable, 7. Last evaluated: 2021-03-27. Review status: criteria provided, single submitter. Criteria: NYGC Assertion Criteria 2020. Collection method: clinical testing. Allele origin: inherited. Observed: 1 heterozygote. Study: CSER-NYCKidSeq.

NM_001006658.3(CR2):c.2975A>G (p.Tyr992Cys)

Gene: CR2 (complement C3d receptor 2; plus strand). Cytogenetic location: 1q32.2.
Variant type: single nucleotide variant.
Coding change: c.2975A>G on transcript NM_001006658.3 (MANE Select); coding-DNA position 2975, A replaced by G.
Protein change: p.Tyr992Cys; replaces tyrosine 992 with cysteine.
Molecular consequence: missense variant.
Genome position (GRCh38, 1-based): chr1:207,477,957, A>G. VCF-style: chr1-207477957-A-G. GRCh37 (hg19) VCF-style: chr1-207651302-A-G.
Other names: c.2798A>G, p.Tyr933Cys (NM_001877.5); short protein forms Y933C, Y992C.
Identifiers: ClinVar variation 999079 (VCV000999079.10), dbSNP rs1658485394, ClinGen allele CA344541370.